The following is an entry in ClinVar:

NM_006531.5(IFT88):c.2042A>G (p.His681Arg)

Gene: IFT88 (intraflagellar transport 88; plus strand). Cytogenetic location: 13q12.11.
Variant type: single nucleotide variant.
Coding change: c.2042A>G on transcript NM_006531.5 (MANE Select); coding-DNA position 2042, A replaced by G.
Protein change: p.His681Arg; replaces histidine 681 with arginine.
Molecular consequence: missense variant. On other transcripts: non-coding transcript variant (5).
Genome position (GRCh38, 1-based): chr13:20,656,404, A>G. VCF-style: chr13-20656404-A-G. GRCh37 (hg19) VCF-style: chr13-21230543-A-G.
Other names: c.1985A>G, p.His662Arg (NM_001318491.2, NM_001353575.2); c.2069A>G, p.His690Arg (NM_001318493.2, NM_001353565.2, NM_001353566.2 and 2 more transcripts); c.2042A>G, p.His681Arg (NM_001353568.2, NM_001353572.2); c.1967A>G, p.His656Arg (NM_001353569.2, NM_001353570.2, NM_001353576.2 and 1 more transcripts); c.1940A>G, p.His647Arg (NM_001353571.2, NM_001353578.2); c.1898A>G, p.His633Arg (NM_001353573.2); c.1883A>G, p.His628Arg (NM_001353574.2); c.1409A>G, p.His470Arg (NM_001353579.2); short protein forms H647R, H662R, H628R, H656R, H690R, H633R, H681R, H470R.
Identifiers: ClinVar variation 2086395 (VCV002086395.4), dbSNP rs757661778, ClinGen allele CA6905630.

ClinVar aggregate classification (germline): Uncertain significance (1 of 4 stars; one submission).

Allele frequency attached by ClinVar (database versions not stated): TOPMed 0.00001; ExAC 0.00002; gnomAD 0.00003.
gnomAD v4.1: 9 of 1,520,698 alleles (0.00059%); highest among the groups gnomAD compares: Admixed American, 0.017%; no homozygotes.

Submission:

Labcorp Genetics (formerly Invitae), Labcorp
Classification: Uncertain significance. Last evaluated: 2023-12-14. Review status: criteria provided, single submitter. Criteria: Invitae Variant Classification Sherloc (09022015). Collection method: clinical testing. Allele origin: germline.
Comment: This sequence change replaces histidine, which is basic and polar, with arginine, which is basic and polar, at codon 690 of the IFT88 protein (p.His690Arg). This variant is present in population databases (rs757661778, gnomAD 0.02%). This variant has not been reported in the literature in individuals affected with IFT88-related conditions. ClinVar contains an entry for this variant (Variation ID: 2086395). Experimental studies and prediction algorithms are not available or were not evaluated, and the functional significance of this variant is currently unknown. In summary, the available evidence is currently insufficient to determine the role of this variant in disease. Therefore, it has been classified as a Variant of Uncertain Significance.